The following is an entry in ClinVar:

ClinVar aggregate classification (germline): Uncertain significance (1 of 4 stars; one submission).

Conditions:
Long QT syndrome (LQTS). Identifiers: MedGen C0023976, MeSH D008133, MONDO:0002442. Disease mechanism: loss of function. Inheritance: Various modes of inheritance.

gnomAD v4.1: 1 of 1,613,520 alleles (0.000062%); highest among the groups gnomAD compares: Admixed American, 0.0017%; no homozygotes.

Submission:

Labcorp Genetics (formerly Invitae), Labcorp
Classification: Uncertain significance for Long QT syndrome. Last evaluated: 2021-07-20. Review status: criteria provided, single submitter. Criteria: Invitae Variant Classification Sherloc (09022015). Collection method: clinical testing. Allele origin: germline.
Comment: In summary, the available evidence is currently insufficient to determine the role of this variant in disease. Therefore, it has been classified as a Variant of Uncertain Significance. This sequence change replaces aspartic acid with asparagine at codon 3624 of the ANK2 protein (p.Asp3624Asn). The aspartic acid residue is moderately conserved and there is a small physicochemical difference between aspartic acid and asparagine. This variant is not present in population databases (ExAC no frequency). This variant has not been reported in the literature in individuals with ANK2-related conditions. Algorithms developed to predict the effect of missense changes on protein structure and function are either unavailable or do not agree on the potential impact of this missense change (SIFT: "Deleterious"; PolyPhen-2: "Probably Damaging"; Align-GVGD: "Class C0").

NM_001148.6(ANK2):c.10870G>A (p.Asp3624Asn)

Gene: ANK2 (ankyrin 2; plus strand). Cytogenetic location: 4q26.
Variant type: single nucleotide variant.
Coding change: c.10870G>A on transcript NM_001148.6 (MANE Select); coding-DNA position 10870, G replaced by A.
Protein change: p.Asp3624Asn; replaces aspartic acid 3624 with asparagine.
Molecular consequence: missense variant.
Genome position (GRCh38, 1-based): chr4:113,363,451, G>A. VCF-style: chr4-113363451-G-A. GRCh37 (hg19) VCF-style: chr4-114284607-G-A.
Other names: c.4588G>A, p.Asp1530Asn (NM_001127493.3); c.4627G>A, p.Asp1543Asn (NM_001354225.2); c.4516G>A, p.Asp1506Asn (NM_001354228.2, NM_001354258.2); c.4594G>A, p.Asp1532Asn (NM_001354230.2); c.4657G>A, p.Asp1553Asn (NM_001354231.2, NM_001354242.2); c.4651G>A, p.Asp1551Asn (NM_001354232.2); c.4612G>A, p.Asp1538Asn (NM_001354235.2, NM_001354246.2, NM_001354265.2); c.4513G>A, p.Asp1505Asn (NM_001354236.2); and 35 more; short protein forms D1439N, D1452N, D1464N, D1468N, D1481N, D1496N, D1522N, D1529N.
Identifiers: ClinVar variation 1461782 (VCV001461782.8), dbSNP rs2154047653, ClinGen allele CA357941418.